The following is an entry in ClinVar:

NM_000297.4(PKD2):c.1390C>T (p.Arg464Ter)

Gene: PKD2 (polycystin 2, transient receptor potential cation channel; plus strand). Cytogenetic location: 4q22.1.
Variant type: single nucleotide variant.
Coding change: c.1390C>T on transcript NM_000297.4 (MANE Select); coding-DNA position 1390, C replaced by T.
Protein change: p.Arg464Ter; replaces arginine 464 with a stop codon.
Molecular consequence: nonsense. On other transcripts: non-coding transcript variant (1).
Genome position (GRCh38, 1-based): chr4:88,046,712, C>T. VCF-style: chr4-88046712-C-T. GRCh37 (hg19) VCF-style: chr4-88967864-C-T.
Other names: p.Arg464*; c.1390C>T (NM_000297.3); short protein forms R464*.
Identifiers: ClinVar variation 13521 (VCV000013521.28), dbSNP rs121918042, ClinGen allele CA123164.

ClinVar aggregate classification (germline): Pathogenic. Review status: criteria provided, multiple submitters, no conflicts (2 of 4 stars). 16 submissions from 16 submitters: Pathogenic (13). 3 of the submissions do not count toward it. Last evaluated 2026-03-31.

Conditions:
PKD2-related disorder. Also called: PKD2-related condition.
Autosomal dominant polycystic kidney disease. Identifiers: Orphanet 730, MedGen C0085413, MONDO:0004691.
Polycystic kidney disease 2 (PKD2). Also called: Polycystic Kidney Disease 2, Autosomal Dominant; POLYCYSTIC KIDNEY DISEASE, ADULT, TYPE II; POLYCYSTIC KIDNEY DISEASE 2 WITH OR WITHOUT POLYCYSTIC LIVER DISEASE. Identifiers: MedGen C2751306, MONDO:0013131, OMIM 613095.
Polycystic kidney disease. Also called: Kidney, Polycystic; Polycystic kidney dysplasia. Identifiers: MedGen C0022680, MeSH D007690, MONDO:0020642, HP:0000113.

gnomAD v4.1: 3 of 1,613,520 alleles (0.00019%); highest among the groups gnomAD compares: Non-Finnish European, 0.00025%; no homozygotes.

Submissions 1 to 12 of 16:

Victorian Clinical Genetics Services, Murdoch Childrens Research Institute
Classification: Pathogenic for Polycystic kidney disease 2. Last evaluated: 2026-03-31. Review status: criteria provided, single submitter. Criteria: ACMG Guidelines, 2015. Collection method: clinical testing. Allele origin: germline. Affected: yes.
Comment: This variant is classified as Pathogenic. Evidence in support of pathogenic classification: Variant is predicted to cause nonsense-mediated decay (NMD) and loss of protein (premature termination codon is located at least 54 nucleotides upstream of the final exon-exon junction); Variant is present in gnomAD <0.001 for a dominant condition (v4: 3 heterozygote(s), 0 homozygote(s)); This variant has strong previous evidence of pathogenicity in unrelated individuals. This variant has been classified as pathogenic by multiple clinical diagnostic laboratories (ClinVar); Other NMD-predicted variants comparable to the one identified in this case have very strong previous evidence for pathogenicity (DECIPHER). Additional information: This variant is heterozygous; This gene is associated with autosomal dominant disease; Loss of function is a known mechanism of disease in this gene and is associated with polycystic kidney disease 2 (MIM#613095); Inheritance information for this variant is not currently available in this individual.

Medical and Scientific Branch, Hong Kong Genome Institute
Classification: Pathogenic for Polycystic kidney disease 2. Last evaluated: 2026-01-26. Review status: criteria provided, single submitter. Criteria: ACMG Guidelines, 2015. Collection method: clinical testing. Allele origin: unknown. Affected: yes.

PreventionGenetics, part of Exact Sciences
Classification: Pathogenic for PKD2-related condition. Last evaluated: 2025-11-22. Review status: criteria provided, single submitter. Criteria: ACMG Guidelines, 2015. Collection method: clinical testing. Allele origin: germline.
Comment: The PKD2 c.1390C>T variant is predicted to result in premature protein termination (p.Arg464*). This variant has been reported in individuals with autosomal dominant polycystic kidney disease (ADPKD) (see for example, Viribay et al. 1997. PubMed ID: 9402976; Xu et al. 2018. PubMed ID: 29529603; Kim et al. 2019. PubMed ID: 31740684). This variant has not been reported in a large population database (gnomAD), indicating this variant is rare. Nonsense variants in PKD2 are expected to be pathogenic. This variant is interpreted as pathogenic.

Mayo Clinic Laboratories, Mayo Clinic
Classification: Pathogenic. Last evaluated: 2025-06-22. Review status: criteria provided, single submitter. Criteria: ACMG Guidelines, 2015. Collection method: clinical testing. Allele origin: germline. Observed: 2 variant alleles.
Comment: PP1_moderate, PM2_supporting, PS4, PVS1

Women's Health and Genetics/Laboratory Corporation of America, LabCorp
Classification: Pathogenic for Polycystic kidney disease 2. Last evaluated: 2025-04-03. Review status: criteria provided, single submitter. Criteria: LabCorp Variant Classification Summary - May 2015. Collection method: clinical testing. Allele origin: germline.
Comment: Variant summary: PKD2 c.1390C>T (p.Arg464X) results in a premature termination codon, predicted to cause absence of the protein due to nonsense mediated decay, which is a commonly known mechanism for disease. The variant was absent in 251326 control chromosomes (gnomAD). c.1390C>T has been reported in the literature in individuals affected with Polycystic Kidney Disease 2 (e.g. Viribay_1997). These data indicate that the variant is likely to be associated with disease. To our knowledge, no experimental evidence demonstrating an impact on protein function has been reported. The following publication has been ascertained in the context of this evaluation (PMID: 9402976). ClinVar contains an entry for this variant (Variation ID: 13521). Based on the evidence outlined above, the variant was classified as pathogenic.

GeneDx
Classification: Pathogenic. Last evaluated: 2024-08-05. Review status: criteria provided, single submitter. Criteria: GeneDx Variant Classification Process June 2021. Collection method: clinical testing. Allele origin: germline. Affected: yes.
Comment: Nonsense variant predicted to result in protein truncation or nonsense mediated decay in a gene for which loss of function is a known mechanism of disease; Not observed in large population cohorts (gnomAD); This variant is associated with the following publications: (PMID: 25525159, 22508176, 25266109, 9402976, 29529603, 9773786, 10760080, 21115670, 31488014, 29633482, 31740684, 34101167, 36938073, 36186434, 34732400, 32970388, 17100995)

Fulgent Genetics
Classification: Pathogenic for Polycystic kidney disease 2. Last evaluated: 2024-02-07. Review status: criteria provided, single submitter. Criteria: ACMG Guidelines, 2015. Collection method: clinical testing. Allele origin: germline.

Blueprint Genetics
Classification: Pathogenic for PKD2-related disorders. Last evaluated: 2023-12-20. Review status: criteria provided, single submitter. Criteria: ACMG Guidelines, 2015. Collection method: clinical testing. Allele origin: germline. Affected: yes. Observed: 4 variant alleles.

Labcorp Genetics (formerly Invitae), Labcorp
Classification: Pathogenic for Autosomal dominant polycystic kidney disease. Last evaluated: 2023-02-11. Review status: criteria provided, single submitter. Criteria: Invitae Variant Classification Sherloc (09022015). Collection method: clinical testing. Allele origin: germline.
Comment: For these reasons, this variant has been classified as Pathogenic. Algorithms developed to predict the effect of sequence changes on RNA splicing suggest that this variant may disrupt the consensus splice site. ClinVar contains an entry for this variant (Variation ID: 13521). This premature translational stop signal has been observed in individual(s) with polycystic kidney disease (PMID: 9402976, 29529603, 29633482, 34101167). This variant is not present in population databases (gnomAD no frequency). This sequence change creates a premature translational stop signal (p.Arg464*) in the PKD2 gene. It is expected to result in an absent or disrupted protein product. Loss-of-function variants in PKD2 are known to be pathogenic (PMID: 17582161, 22863349).

Laboratory for Molecular Medicine, Mass General Brigham Personalized Medicine
Classification: Pathogenic for Polycystic kidney disease. Last evaluated: 2023-02-02. Review status: criteria provided, single submitter. Criteria: ACMG Guidelines, 2015. Collection method: clinical testing. Allele origin: germline.
Comment: The p.Arg464X variant in PKD2 has been reported in at least 15 individuals with polycistic kidney disease and segregated with disease in at least 6 affected individuals from 3 families (Viribay 1997 PMID: 9402976, Pei 1998 Year PMID: 9773786, Chung 2006 PMID: 17100995, Hoefele 2011 PMID: 21115670, Audrezet 2012 PMID: 22508176, Xu 2018 PMID: 29529603, Zhang 2019 PMID: 29633482, Al-Muhanna 2019 PMID: 31488014, Kim 2019 PMID: 31740684, Dong 2020 PMID: 32970388). It was absent from large population studies. This variant has also been reported in ClinVar (Variation ID 13521). This nonsense variant leads to a premature termination codon at position 464, which is predicted to lead to a truncated or absent protein. Loss of function of the PKD2 gene is an established disease mechanism in autosomal dominant polycystic kidney disease. In summary, this variant meets criteria to be classified as pathogenic for autosomal dominant polycystic kidney disease. ACMG/AMP Criteria applied: PVS1, PS4, PP1_Moderate, PM2_Supporting.

Athena Diagnostics
Classification: Pathogenic. Last evaluated: 2020-10-12. Review status: criteria provided, single submitter. Criteria: Athena Diagnostics criteria. Collection method: clinical testing. Allele origin: unknown.
Comment: This variant is expected to result in the loss of a functional protein. This variant has not been reported in large, multi-ethnic general populations. This variant has been identified in multiple unrelated individuals with clinical features associated with this gene.

ARUP Laboratories, Molecular Genetics and Genomics, ARUP Laboratories
Classification: Pathogenic for Polycystic kidney disease 2. Last evaluated: 2019-02-15. Review status: criteria provided, single submitter. Criteria: ARUP Molecular Germline Variant Investigation Process. Collection method: clinical testing. Allele origin: germline.
Comment: The PKD2 c.1390C>T; p.Arg464Ter variant (rs121918042) has been described in multiple individuals affected with autosomal dominant polycystic kidney disease (ADPKD; see link to Mayo ADPKD database and references therein, Hoefele 2011, Viribay 1997, Xu 2018, Zhang 2018). It contains an entry in ClinVar (Variation ID: 13521) and is absent from general population databases (Exome Variant Server and Genome Aggregation Database), indicating it is not a common polymorphism. This variant induces an early termination codon and is predicted to result in a truncated protein or mRNA subject to nonsense-mediated decay. Based on available information, this variant is considered pathogenic. REFERENCES Link to Mayo ADPKD database: Hoefele J et al. Novel PKD1 and PKD2 mutations in autosomal dominant polycystic kidney disease (ADPKD). Nephrol Dial Transplant. 2011 Jul;26(7):2181-8. Viribay M et al. Novel stop and frameshifting mutations in the autosomal dominant polycystic kidney disease 2 (PKD2) gene. Hum Genet. 1997 Dec;101(2):229-34. Xu D et al. Novel Mutations in the PKD1 and PKD2 Genes of Chinese Patients with Autosomal Dominant Polycystic Kidney Disease. Kidney Blood Press Res. 2018;43(2):297-309. Zhang M et al. Identification of novel mutations and risk assessment of Han Chinese patients with autosomal dominant polycystic kidney disease. Nephrology (Carlton). 2018 Apr 6.